The following is an entry in ClinVar:

ClinVar aggregate classification (germline): Uncertain significance (1 of 4 stars; one submission).

Conditions:
Dent disease type 1 (DENT1). Also called: NEPHROLITHIASIS 2; NEPHROLITHIASIS, HYPERCALCIURIC, X-LINKED. Identifiers: Orphanet 1652, Orphanet 93622, MedGen C1848336, MONDO:0010225, OMIM 300009.

Submission:

MVZ Medizinische Genetik Mainz
Classification: Uncertain significance for Dent disease type 1. Last evaluated: 2026-04-13. Review status: criteria provided, single submitter. Criteria: UK Practice Guidelines For Variant Classification V4 01 2020. Collection method: clinical testing. Allele origin: germline. Inheritance: X-linked dominant inheritance. Affected: yes. Observed: 1 variant allele.
Comment: ACMG Criteria: PS1_MOD,PM2_SUP,PP3

NM_001127898.4(CLCN5):c.602A>T (p.Glu201Val)

Gene: CLCN5 (Cl-/H+ antiporter 5; plus strand). Cytogenetic location: Xp11.23.
Variant type: single nucleotide variant.
Coding change: c.602A>T on transcript NM_001127898.4 (MANE Select); coding-DNA position 602, A replaced by T.
Protein change: p.Glu201Val; replaces glutamic acid 201 with valine.
Molecular consequence: missense variant. On other transcripts: non-coding transcript variant (1).
Genome position (GRCh38, 1-based): chrX:50,075,981, A>T. VCF-style: chrX-50075981-A-T. GRCh37 (hg19) VCF-style: chrX-49840636-A-T.
Other names: c.392A>T, p.Glu131Val (NM_000084.5); c.602A>T, p.Glu201Val (NM_001127899.4); c.452A>T, p.Glu151Val (NM_001282163.2); c.614A>T, p.Glu205Val (NM_001440756.1, NM_001440757.1); short protein forms E131V, E151V, E201V, E205V.
Identifiers: ClinVar variation 4849200 (VCV004849200.1).